The following is an entry in ClinVar:

NM_004360.5(CDH1):c.1565+5G>A

Gene: CDH1 (cadherin 1; plus strand). Cytogenetic location: 16q22.1.
Variant type: single nucleotide variant.
Coding change: c.1565+5G>A on transcript NM_004360.5 (MANE Select); 5 bases into the intron after coding-DNA position 1565, G replaced by A.
Molecular consequence: intron variant.
Genome position (GRCh38, 1-based): chr16:68,815,764, G>A. VCF-style: chr16-68815764-G-A. GRCh37 (hg19) VCF-style: chr16-68849667-G-A.
Other names: c.1565+5G>A (LRG_301t1); c.17+5G>A (NM_001317185.2); c.-255+5G>A (NM_001317186.2); c.1382+5G>A (NM_001317184.2).
Identifiers: ClinVar variation 185005 (VCV000185005.15), dbSNP rs786201861, ClinGen allele CA190759.
Genomic context (GRCh38, chr16:68,815,764, plus strand): 5'-GAAATCACATCCTACACTGCCCAGGAGCCAGACACATTTATGGAACAGAAAATAACGTAA[G>A]TGTGAGGATTTTTCAACTGACTTGCAGCAACTGGTTATTTTATATCATTTTATATGTAAA-3'

ClinVar aggregate classification (germline): Likely pathogenic. Review status: reviewed by expert panel (3 of 4 stars). 3 submissions from 3 submitters: Likely pathogenic (1). 2 of the submissions do not count toward it. Last evaluated 2023-08-03.

Conditions:
CDH1-related diffuse gastric and lobular breast cancer syndrome. Also called: CDH1-related diffuse gastric and lobular breast cancer. Identifiers: MedGen CN311521, MONDO:0100488.
Hereditary cancer-predisposing syndrome. Also called: Tumor predisposition; Hereditary Cancer Syndrome; Hereditary neoplastic syndrome; Neoplastic Syndromes, Hereditary. Identifiers: Orphanet 140162, MedGen C0027672, MeSH D009386, MONDO:0015356.
Hereditary diffuse gastric adenocarcinoma (HDGC). Also called: DIFFUSE GASTRIC AND LOBULAR BREAST CANCER SYNDROME. Identifiers: Orphanet 26106, MedGen C1708349, MONDO:0007648, OMIM 137215.

Submissions (3):

Clingen Gastric Cancer Variant Curation Expert Panel
Classification: Likely pathogenic for CDH1-related diffuse gastric and lobular breast cancer syndrome. Last evaluated: 2023-08-03. Review status: reviewed by expert panel. Criteria: ClinGen CDH1 ACMG Specifications V3.1. Collection method: curation. Allele origin: germline. Inheritance: Autosomal dominant inheritance.
Comment: The c.1565+5G>A variant occurs in the splice donor region of intron 10. This variant is absent from population databases (PM2_supporting). The variant is predicted to result in loss of the canonical donor splice site and gain of a cryptic donor site at the +7 position by SpliceAI and VarSeak (PP3). RNA analysis has demonstrated a novel six base pair insertion (GTAAAT) resulting in a premature stop codon (p.Tyr523*) in carriers (PS3, internal data, SCV000214990.7). The c.1565+5G>A variant segregates with diffuse gastric cancer in one family meeting IGCLC criteria for HDGC (PS4_supporting and PP1, unpublished). In summary, this variant is classified as likely pathogenic based on ACMG/AMP criteria applied as specified by the CDH1 Variant Curation Expert Panel: PM2_supporting, PS3, PS4_supporting, PP3 and PP1.

Ambry Genetics
Classification: Likely pathogenic for Hereditary cancer-predisposing syndrome. Last evaluated: 2020-01-10. Review status: criteria provided, single submitter. Criteria: Ambry Variant Classification Scheme 2023. Collection method: clinical testing. Allele origin: germline. Not counted in ClinVar's aggregate classification.
Comment: The c.1565+5G>A intronic variant results from a G to A substitution 5 nucleotides after coding exon 10 in the CDH1 gene. This alteration has been detected in two individuals whose personal and/or family histories are consistent with CDH1-associated hereditary cancer syndrome (Ambry internal data). This nucleotide position is highly conserved in available vertebrate species. Using the BDGP splice site prediction tool, this alteration is not predicted to have a significant impact on the native splice donor site. Using the ESEfinder splice site prediction tool, this alteration is predicted to impact the effectiveness of the native splice donor site. Using the Human Slicing Finder splice prediction tool, this alteration predicts a significant weakening in the native donor splice site efficiency (Desmet FO et al. Nucleic Acids Res. 2009 May;37(9):e67). RNA studies have demonstrated that this alteration results in abnormal splicing in the set of samples tested (Ambry internal data). Based on the majority of available evidence to date, this variant is likely to be pathogenic.

Labcorp Genetics (formerly Invitae), Labcorp
Classification: Uncertain significance for Hereditary diffuse gastric adenocarcinoma. Last evaluated: 2019-01-13. Review status: criteria provided, single submitter. Criteria: Invitae Variant Classification Sherloc (09022015). Collection method: clinical testing. Allele origin: germline. Not counted in ClinVar's aggregate classification.
Comment: In summary, the available evidence is currently insufficient to determine the role of this variant in disease. Therefore, it has been classified as a Variant of Uncertain Significance. Nucleotide substitutions within the consensus splice site are a relatively common cause of aberrant splicing (PMID: 17576681, 9536098). Algorithms developed to predict the effect of sequence changes on RNA splicing suggest that this variant may disrupt the consensus splice site, but this prediction has not been confirmed by published transcriptional studies. This variant has not been reported in the literature in individuals with CDH1-related disease. ClinVar contains an entry for this variant (Variation ID: 185005). This variant is not present in population databases (ExAC no frequency). This sequence change falls in intron 10 of the CDH1 gene. It does not directly change the encoded amino acid sequence of the CDH1 protein, but it affects a nucleotide within the consensus splice site of the intron.

Literature cited by the submitters: PubMed 17576681 (cited by Labcorp Genetics (formerly Invitae), Labcorp); PubMed 9536098 (cited by Labcorp Genetics (formerly Invitae), Labcorp).